The following is an entry in ClinVar:

ClinVar aggregate classification (germline): Likely pathogenic. Review status: criteria provided, multiple submitters, no conflicts (2 of 4 stars). 2 submissions from 2 submitters: Likely pathogenic (2). Last evaluated 2021-12-15.

Conditions:
Retinoblastoma (RB1). Also called: RETINOBLASTOMA, SOMATIC. Identifiers: Orphanet 790, MedGen C0035335, MeSH D012175, MONDO:0008380, OMIM 180200, HP:0009919. Disease mechanism: loss of function. Inheritance: Both sporadic and heritable forms are tested..

Submissions (2):

Labcorp Genetics (formerly Invitae), Labcorp
Classification: Likely pathogenic for Retinoblastoma. Last evaluated: 2021-12-15. Review status: criteria provided, single submitter. Criteria: Invitae Variant Classification Sherloc (09022015). Collection method: clinical testing. Allele origin: germline.
Comment: Variants that disrupt the consensus splice site are a relatively common cause of aberrant splicing (PMID: 17576681, 9536098). Algorithms developed to predict the effect of sequence changes on RNA splicing suggest that this variant may disrupt the consensus splice site. In summary, the currently available evidence indicates that the variant is pathogenic, but additional data are needed to prove that conclusively. Therefore, this variant has been classified as Likely Pathogenic. ClinVar contains an entry for this variant (Variation ID: 1004646). This variant has been observed in individuals with retinoblastoma (PMID: 31568710, 33225895; Invitae; External communication). This variant is not present in population databases (gnomAD no frequency). This sequence change falls in intron 2 of the RB1 gene. It does not directly change the encoded amino acid sequence of the RB1 protein. It affects a nucleotide within the consensus splice site.

St. Jude Molecular Pathology, St. Jude Children's Research Hospital
Classification: Likely pathogenic for Retinoblastoma. Last evaluated: 2021-12-09. Review status: criteria provided, single submitter. Criteria: St. Jude Assertion Criteria 2020. Collection method: clinical testing. Allele origin: germline. Affected: yes.
Comment: The RB1 c.264+5G>A intronic change results in a G to A substitution at the +5 position of intron 2 of RB1 gene. This variant is absent in gnomAD v2.1.1 (PM2_supporting). Algorithms that predict the impact of sequence changes on splicing indicate that this change may abolish the native splice donor site and likely result in an absent or disrupted protein product (PP3). Reverse-transcriptase PCR analysis identified skipping of exon 2 (PS3_supporting, outside lab testing). This variant has been reported in four individuals with retinoblastoma (PS4; PMID: 33225895, 31568710, internal data, personal communication). In addition, this variant was identified as de novo in an individual with unilateral retinoblastoma (PS2_supporting; PMID: 33225895). In summary, this variant meets criteria to be classified as likely pathogenic based on the ACMG/AMP criteria applied: PS4, PS3_supporting, PS2_supporting, PM2_supporting, PP3.

Literature cited by the submitters: PubMed 17576681 (cited by Labcorp Genetics (formerly Invitae), Labcorp); PubMed 9536098 (cited by Labcorp Genetics (formerly Invitae), Labcorp); PubMed 31568710 (cited by Labcorp Genetics (formerly Invitae), Labcorp); PubMed 33225895 (cited by Labcorp Genetics (formerly Invitae), Labcorp).

NM_000321.3(RB1):c.264+5G>A

Gene: RB1 (RB transcriptional corepressor 1; plus strand). Cytogenetic location: 13q14.2.
Variant type: single nucleotide variant.
Coding change: c.264+5G>A on transcript NM_000321.3 (MANE Select); 5 bases into the intron after coding-DNA position 264, G replaced by A.
Molecular consequence: intron variant.
Genome position (GRCh38, 1-based): chr13:48,307,411, G>A. VCF-style: chr13-48307411-G-A. GRCh37 (hg19) VCF-style: chr13-48881547-G-A.
Identifiers: ClinVar variation 1004646 (VCV001004646.11), dbSNP rs1131690853, ClinGen allele CA2089953700.